The following is an entry in ClinVar:

NM_003036.4(SKI):c.1196C>T (p.Ala399Val)

Gene: SKI (SKI proto-oncogene; plus strand). Cytogenetic location: 1p36.32.
Variant type: single nucleotide variant.
Coding change: c.1196C>T on transcript NM_003036.4 (MANE Select); coding-DNA position 1196, C replaced by T.
Protein change: p.Ala399Val; replaces alanine 399 with valine.
Molecular consequence: missense variant.
Genome position (GRCh38, 1-based): chr1:2,303,385, C>T. VCF-style: chr1-2303385-C-T. GRCh37 (hg19) VCF-style: chr1-2234824-C-T.
Other names: p.A399V:GCC>GTC; short protein forms A399V.
Identifiers: ClinVar variation 213692 (VCV000213692.21), dbSNP rs141862996, ClinGen allele CA319952.

ClinVar aggregate classification (germline): Conflicting classifications of pathogenicity. Review status: criteria provided, conflicting classifications (1 of 4 stars). 8 submissions from 8 submitters: Uncertain significance (1); Likely benign (7). Last evaluated 2026-01-28.

Conditions:
Familial thoracic aortic aneurysm and aortic dissection (TAAD). Also called: Thoracic aortic aneurysms and dissections. Identifiers: Orphanet 91387, MedGen C4707243, MONDO:0019625.
Shprintzen-Goldberg syndrome (SGS). Also called: SHPRINTZEN-GOLDBERG CRANIOSYNOSTOSIS SYNDROME; CRANIOSYNOSTOSIS WITH ARACHNODACTYLY AND ABDOMINAL HERNIAS; Marfanoid disorder with craniosynostosis type 1; Marfanoid craniosynostosis syndrome; Shprintzen-Goldberg marfanoid syndrome. Identifiers: Orphanet 2462, MedGen C1321551, MONDO:0008426, OMIM 182212.

Allele frequency attached by ClinVar (database versions not stated): gnomAD exomes 0.00018 and 0.00037; ExAC 0.00045; 1000 Genomes Project 30x 0.00109; 1000 Genomes Project 0.00120; ESP Exome Variant Server 0.00138; gnomAD 0.00139 and 0.00148; TOPMed 0.00181.
gnomAD v4.1: 477 of 1,613,072 alleles (0.03%); highest among the groups gnomAD compares: African/African-American, 0.48%; 4 homozygotes.

Submissions (8):

Labcorp Genetics (formerly Invitae), Labcorp
Classification: Likely benign for Shprintzen-Goldberg syndrome. Last evaluated: 2026-01-28. Review status: criteria provided, single submitter. Criteria: Invitae Variant Classification Sherloc (09022015). Collection method: clinical testing. Allele origin: germline.

Blueprint Genetics
Classification: Likely benign. Last evaluated: 2024-11-25. Review status: criteria provided, single submitter. Criteria: ACMG Guidelines, 2015. Collection method: clinical testing. Allele origin: germline.

Women's Health and Genetics/Laboratory Corporation of America, LabCorp
Classification: Likely benign. Last evaluated: 2023-08-10. Review status: criteria provided, single submitter. Criteria: LabCorp Variant Classification Summary - May 2015. Collection method: clinical testing. Allele origin: germline.

GeneDx
Classification: Likely benign. Last evaluated: 2020-06-16. Review status: criteria provided, single submitter. Criteria: GeneDx Variant Classification Process June 2021. Collection method: clinical testing. Allele origin: germline. Affected: yes.

Ambry Genetics
Classification: Likely benign for Familial thoracic aortic aneurysm and aortic dissection. Last evaluated: 2019-03-12. Review status: criteria provided, single submitter. Criteria: Ambry Variant Classification Scheme 2023. Collection method: clinical testing. Allele origin: germline.

Center for Genomics, Ann and Robert H. Lurie Children's Hospital of Chicago
Classification: Uncertain significance for Shprintzen-Goldberg syndrome. Last evaluated: 2017-08-01. Review status: criteria provided, single submitter. Criteria: ACMG Guidelines, 2015. Collection method: clinical testing. Allele origin: germline.
Comment: SKI NM_003036.3 exon3 p.Ala399Val (c.1196C>T): This variant has not been reported in the literature but is present in 0.4% (117/24020) of African individuals, including 1 homozygote in the Genome Aggregation Database. This variant is present in ClinVar (Variation ID:213692). Evolutionary conservation and computational predictive tools suggest that this variant may impact the protein. In summary, data on this variant is insufficient for disease classification. Therefore, the clinical significance of this variant is uncertain.

Center for Pediatric Genomic Medicine, Children's Mercy Hospital and Clinics
Classification: Likely benign. Last evaluated: 2017-05-04. Review status: criteria provided, single submitter. Criteria: ACMG Guidelines, 2015. Collection method: clinical testing. Allele origin: germline.

PreventionGenetics, part of Exact Sciences
Classification: Likely benign. Review status: criteria provided, single submitter. Criteria: ACMG Guidelines, 2015. Collection method: clinical testing. Allele origin: germline.